The following is an entry in ClinVar:

NM_207037.2(TCF12):c.1950C>T (p.Val650=)

Gene: TCF12 (transcription factor 12; plus strand). Cytogenetic location: 15q21.3.
Variant type: single nucleotide variant.
Coding change: c.1950C>T on transcript NM_207037.2 (MANE Select); coding-DNA position 1950, C replaced by T.
Protein change: p.Val650=; no amino-acid change (valine 650 retained).
Molecular consequence: synonymous variant.
Genome position (GRCh38, 1-based): chr15:57,273,234, C>T. VCF-style: chr15-57273234-C-T. GRCh37 (hg19) VCF-style: chr15-57565432-C-T.
Other names: c.1440C>T, p.Val480= (NM_001306219.3); c.1170C>T, p.Val390= (NM_001306220.3); c.1950C>T, p.Val650= (NM_001322151.2, NM_001322159.3, NM_001322162.2 and 1 more transcripts); c.1947C>T, p.Val649= (NM_001322152.2, NM_001322161.2); c.1293C>T, p.Val431= (NM_001322154.2); c.1776C>T, p.Val592= (NM_001322156.2); c.1878C>T, p.Val626= (NM_001322157.3, NM_001322165.2, NM_003205.4 and 1 more transcripts); c.1704C>T, p.Val568= (NM_001322158.2); and 2 more.
Identifiers: ClinVar variation 263279 (VCV000263279.40), dbSNP rs77034126, ClinGen allele CA7581384.

ClinVar aggregate classification (germline): Benign/Likely benign. Review status: criteria provided, multiple submitters, no conflicts (2 of 4 stars). 7 submissions from 7 submitters: Benign (2); Likely benign (5). Last evaluated 2026-07-01.

Conditions:
TCF12-related craniosynostosis. Also called: Craniosynostosis 3. Identifiers: Orphanet 35098, Orphanet 35099, Orphanet 672979, MedGen C3715051, MONDO:0014128, OMIM 615314.
Hypogonadotropic hypogonadism 26 with or without anosmia (HH26). Identifiers: MedGen C5676903, MONDO:0030534, OMIM 619718.

Allele frequency attached by ClinVar (database versions not stated): 1000 Genomes Project 30x 0.00250; 1000 Genomes Project 0.00260; ExAC 0.00361; gnomAD 0.00431 and 0.00440; ESP Exome Variant Server 0.00455; TOPMed 0.00466.
gnomAD v4.1: 8,712 of 1,614,126 alleles (0.54%); highest among the groups gnomAD compares: Non-Finnish European, 0.65%; 40 homozygotes.

Submissions (7):

CeGaT Center for Human Genetics Tuebingen
Classification: Likely benign. Last evaluated: 2026-07-01. Review status: criteria provided, single submitter. Criteria: CeGaT Center For Human Genetics Tuebingen Variant Classification Criteria Version 2. Collection method: clinical testing. Allele origin: germline. Affected: yes. Observed: 9 variant alleles.
Comment: TCF12: BP4, BS2

Labcorp Genetics (formerly Invitae), Labcorp
Classification: Benign. Last evaluated: 2026-01-05. Review status: criteria provided, single submitter. Criteria: Invitae Variant Classification Sherloc (09022015). Collection method: clinical testing. Allele origin: germline.

Blueprint Genetics
Classification: Likely benign. Last evaluated: 2024-11-26. Review status: criteria provided, single submitter. Criteria: ACMG Guidelines, 2015. Collection method: clinical testing. Allele origin: germline.

Fulgent Genetics
Classification: Likely benign for TCF12-related craniosynostosis; Hypogonadotropic hypogonadism 26 with or without anosmia. Last evaluated: 2021-09-13. Review status: criteria provided, single submitter. Criteria: ACMG Guidelines, 2015. Collection method: clinical testing. Allele origin: unknown.

GeneDx
Classification: Likely benign. Last evaluated: 2020-04-27. Review status: criteria provided, single submitter. Criteria: GeneDx Variant Classification Process June 2021. Collection method: clinical testing. Allele origin: germline. Affected: yes.

Breakthrough Genomics
Classification: Likely benign. Review status: criteria provided, single submitter. Criteria: ACMG Guidelines, 2015. Collection method: not provided. Allele origin: germline. Inheritance: Autosomal dominant inheritance. Affected: yes.

PreventionGenetics, part of Exact Sciences
Classification: Benign. Review status: criteria provided, single submitter. Criteria: ACMG Guidelines, 2015. Collection method: clinical testing. Allele origin: germline.